The following is an entry in ClinVar:

ClinVar aggregate classification (germline): Uncertain significance (1 of 4 stars; one submission).

Submission:

Labcorp Genetics (formerly Invitae), Labcorp
Classification: Uncertain significance. Last evaluated: 2025-01-02. Review status: criteria provided, single submitter. Criteria: Invitae Variant Classification Sherloc (09022015). Collection method: clinical testing. Allele origin: germline.
Comment: This sequence change replaces proline, which is neutral and non-polar, with leucine, which is neutral and non-polar, at codon 380 of the TCF3 protein (p.Pro380Leu). This variant is not present in population databases (gnomAD no frequency). This variant has not been reported in the literature in individuals affected with TCF3-related conditions. Invitae Evidence Modeling of protein sequence and biophysical properties (such as structural, functional, and spatial information, amino acid conservation, physicochemical variation, residue mobility, and thermodynamic stability) indicates that this missense variant is expected to disrupt TCF3 protein function with a positive predictive value of 80%. In summary, the available evidence is currently insufficient to determine the role of this variant in disease. Therefore, it has been classified as a Variant of Uncertain Significance.

NM_003200.5(TCF3):c.1139C>T (p.Pro380Leu)

Gene: TCF3 (transcription factor 3; minus strand). Cytogenetic location: 19p13.3.
Variant type: single nucleotide variant.
Coding change: c.1139C>T on transcript NM_003200.5 (MANE Select); coding-DNA position 1139, C replaced by T.
Protein change: p.Pro380Leu; replaces proline 380 with leucine.
Molecular consequence: missense variant.
Genome position (GRCh38, 1-based): chr19:1,619,808, G>A on the plus strand (C>T on the coding strand, the complement: TCF3 is on the minus strand). VCF-style: chr19-1619808-G-A. GRCh37 (hg19) VCF-style: chr19-1619807-G-A.
Other names: c.1139C>T, p.Pro380Leu (NM_001136139.4, NM_001351778.2, NM_001351779.2); short protein forms P380L.
Identifiers: ClinVar variation 3707848 (VCV003707848.2).